The following is an entry in ClinVar:

NM_003070.5(SMARCA2):c.4364G>A (p.Arg1455Lys)

Gene: SMARCA2 (SWI/SNF related BAF chromatin remodeling complex subunit ATPase 2; plus strand). Cytogenetic location: 9p24.3.
Variant type: single nucleotide variant.
Coding change: c.4364G>A on transcript NM_003070.5 (MANE Select); coding-DNA position 4364, G replaced by A.
Protein change: p.Arg1455Lys; replaces arginine 1455 with lysine.
Molecular consequence: missense variant.
Genome position (GRCh38, 1-based): chr9:2,182,145, G>A. VCF-style: chr9-2182145-G-A. GRCh37 (hg19) VCF-style: chr9-2182145-G-A.
Other names: c.4364G>A, p.Arg1455Lys (NM_001289396.2); c.4136G>A, p.Arg1379Lys (NM_001289397.2); c.338G>A, p.Arg113Lys (NM_001289398.2); c.422G>A, p.Arg141Lys (NM_001289399.2); c.428G>A, p.Arg143Lys (NM_001289400.2); c.4310G>A, p.Arg1437Lys (NM_139045.4); short protein forms R113K, R143K, R1455K, R1379K, R141K, R1437K.
Identifiers: ClinVar variation 5001566 (VCV005001566.1).
Genomic context (GRCh38, chr9:2,182,145, plus strand): 5'-TCGCTGAATTTTCCTCTCCCTCTTTTTTTCTCCATTTTCTCCAAAATTTCCATCAGGAAA[G>A]GATTCGTAATCATAAGTACCGGAGCCTAGGCGACCTGGAGAAGGATGTCATGCTTCTCTG-3'
Protein context (NP_003061.3, residues 1445-1465): KPVDFKKIKE[Arg1455Lys]IRNHKYRSLG

ClinVar aggregate classification (germline): Uncertain significance (1 of 4 stars; one submission).

Conditions:
SMARCA2-related disorder. Also called: SMARCA2-related condition.

gnomAD v4.1: 1 of 1,599,408 alleles (0.000063%); highest among the groups gnomAD compares: Non-Finnish European, 0.000086%; no homozygotes.

Submission:

PreventionGenetics, part of Exact Sciences
Classification: Uncertain significance for SMARCA2-related condition. Last evaluated: 2025-12-09. Review status: criteria provided, single submitter. Criteria: ACMG Guidelines, 2015. Collection method: clinical testing. Allele origin: germline.
Comment: The SMARCA2 c.4364G>A variant is predicted to result in the amino acid substitution p.Arg1455Lys. To our knowledge, this variant has not been reported in the literature or in a large population database (gnomAD), indicating this variant is rare. At this time, the clinical significance of this variant is uncertain due to the absence of conclusive functional and genetic evidence.